The following is an entry in ClinVar:

NM_000400.4(ERCC2):c.1854CAT[1] (p.Ile619del)

Gene: ERCC2 (ERCC excision repair 2, TFIIH core complex helicase subunit; minus strand). Cytogenetic location: 19q13.32.
Variant type: Microsatellite.
Coding change: c.1854CAT[1] on transcript NM_000400.4 (MANE Select); one copy of the 3-base unit CAT starting at c.1854; the reference has two copies in a row; one copy, 3 bases deleted; also written c.1857_1859del.
Protein change: p.Ile619del; deletes isoleucine 619.
Molecular consequence: inframe deletion.
Genome position (GRCh38, 1-based): chr19:45,352,789-45,352,791, ATG deleted on the plus strand (CAT on the coding strand, the reverse complement: ERCC2 is on the minus strand); deleting any 3 consecutive bases within chr19:45,352,789-45,352,795 gives the same sequence; the position shown is the placement nearest the transcript's 3' end. VCF-style (leftmost placement, unchanged base first): chr19-45352788-CATG-C. GRCh37 (hg19) VCF-style: chr19-45856046-CATG-C.
Other names: c.1857_1859del (NM_000400.4); short protein forms I619del.
Identifiers: ClinVar variation 2736907 (VCV002736907.6), dbSNP rs1266051315, ClinGen allele CA633480440.

ClinVar aggregate classification (germline): Pathogenic. Review status: criteria provided, multiple submitters, no conflicts (2 of 4 stars). 3 submissions from 3 submitters: Pathogenic (3). Last evaluated 2024-01-09.

Conditions:
Cerebrooculofacioskeletal syndrome 2 (COFS2). Identifiers: MedGen C1853102, MONDO:0012553, OMIM 610756.
Trichothiodystrophy 1, photosensitive (TTD1). Also called: TAY SYNDROME; TRICHOTHIODYSTROPHY WITH CONGENITAL ICHTHYOSIS; PIBIDS SYNDROME. Identifiers: Orphanet 33364, MedGen C1866504, MONDO:0011125, OMIM 601675.
Xeroderma pigmentosum, group D (XPD). Also called: ERCC2-Related Xeroderma Pigmentosum; XERODERMA PIGMENTOSUM IV; XP, GROUP D; XP, GROUP H; XERODERMA PIGMENTOSUM, COMPLEMENTATION GROUP D. Identifiers: MedGen C0268138, MONDO:0010212, OMIM 278730.

Submissions (3):

Labcorp Genetics (formerly Invitae), Labcorp
Classification: Pathogenic. Last evaluated: 2024-01-09. Review status: criteria provided, single submitter. Criteria: Invitae Variant Classification Sherloc (09022015). Collection method: clinical testing. Allele origin: germline.
Comment: This variant, c.1857_1859del, results in the deletion of 1 amino acid(s) of the ERCC2 protein (p.Ile619del), but otherwise preserves the integrity of the reading frame. This variant is present in population databases (no rsID available, gnomAD 0.006%). This variant has been observed in individuals with clinical features of xeroderma pigmentosum (PMID: 24418926, 25716912, 30117619). This variant is also known as 24418926. Algorithms developed to predict the effect of variants on protein structure and function are not available or were not evaluated for this variant. Experimental studies have shown that this variant affects ERCC2 function (PMID: 25716912). For these reasons, this variant has been classified as Pathogenic.

Baylor Genetics
Classification: Pathogenic for Cerebrooculofacioskeletal syndrome 2. Last evaluated: 2023-12-28. Review status: criteria provided, single submitter. Criteria: ACMG Guidelines, 2015. Collection method: clinical testing. Allele origin: unknown.

Juno Genomics, Hangzhou Juno Genomics, Inc
Classification: Pathogenic for Trichothiodystrophy 1, photosensitive; Xeroderma pigmentosum, group D; Cerebrooculofacioskeletal syndrome 2. Review status: criteria provided, single submitter. Criteria: ACMG Guidelines, 2015. Collection method: clinical testing. Allele origin: germline.
Comment: Absent from controls (or at extremely low frequency if recessive) in Genome Aggregation Database.;Protein length changes due to in-frame deletions/insertions in a non-repeat region or stop-loss variants.;For recessive disorders, detected in trans with a pathogenic variant.;Patient's phenotype or family history is highly specific for a disease with a single genetic etiology.

Literature cited by the submitters: PubMed 24418926 (cited by Labcorp Genetics (formerly Invitae), Labcorp); PubMed 25716912 (cited by Labcorp Genetics (formerly Invitae), Labcorp); PubMed 30117619 (cited by Labcorp Genetics (formerly Invitae), Labcorp).